The following is an entry in ClinVar:

ClinVar aggregate classification (germline): Uncertain significance (1 of 4 stars; one submission).

Submission:

GeneDx
Classification: Uncertain significance. Last evaluated: 2023-12-08. Review status: criteria provided, single submitter. Criteria: GeneDx Variant Classification Process June 2021. Collection method: clinical testing. Allele origin: germline. Affected: yes.
Comment: Not observed at significant frequency in large population cohorts (gnomAD); In silico analysis supports that this missense variant does not alter protein structure/function; Has not been previously published as pathogenic or benign to our knowledge

NM_152641.4(ARID2):c.2809C>A (p.Gln937Lys)

Gene: ARID2 (AT-rich interaction domain 2; plus strand). Cytogenetic location: 12q12.
Variant type: single nucleotide variant.
Coding change: c.2809C>A on transcript NM_152641.4 (MANE Select); coding-DNA position 2809, C replaced by A.
Protein change: p.Gln937Lys; replaces glutamine 937 with lysine.
Molecular consequence: missense variant.
Genome position (GRCh38, 1-based): chr12:45,850,932, C>A. VCF-style: chr12-45850932-C-A. GRCh37 (hg19) VCF-style: chr12-46244715-C-A.
Other names: c.2809C>A, p.Gln937Lys (NM_001347839.2); short protein forms Q937K.
Identifiers: ClinVar variation 3365250 (VCV003365250.1).